The following is an entry in ClinVar:

NM_001134407.3(GRIN2A):c.613_614insACTGCCTCA (p.Ile204_Thr205insAsnCysLeu)

Gene: GRIN2A (glutamate ionotropic receptor NMDA type subunit 2A; minus strand). Cytogenetic location: 16p13.2.
Variant type: Insertion.
Coding change: c.613_614insACTGCCTCA on transcript NM_001134407.3 (MANE Select); coding-DNA positions 613 to 614, ACTGCCTCA inserted.
Protein change: p.Ile204_Thr205insAsnCysLeu.
Molecular consequence: inframe insertion.
Genome position: GRCh38 VCF-style: chr16-9938352-G-GTGAGGCAGT. GRCh37 (hg19) VCF-style: chr16-10032209-G-GTGAGGCAGT.
Other names: c.613_614insACTGCCTCA, p.Ile204_Thr205insAsnCysLeu (NM_000833.5, NM_001134408.2).
Identifiers: ClinVar variation 2035335 (VCV002035335.4), dbSNP rs2543142403, ClinGen allele CA2580092106.
Genomic context (GRCh38, chr16:9,938,352, plus strand): 5'-GAAGAGTGGATCTTCTTCAGCTGGACTTGTGTCTTTGCATCCTCAAAGGAAGTGTCCAGT[G>GTGAGGCAGT]TGATCACATTCTGCATGTCCCAGCCCACAAAGCTGTTGTCCACTGTGGTCTTGACGAAGC-3'

ClinVar aggregate classification (germline): Uncertain significance (1 of 4 stars; one submission).

Conditions:
Landau-Kleffner syndrome (FESD). Also called: EPILEPSY, FOCAL, WITH SPEECH DISORDER AND WITH OR WITHOUT MENTAL RETARDATION; APHASIA, ACQUIRED, WITH EPILEPSY. Identifiers: Orphanet 1945, Orphanet 725, Orphanet 98818, MedGen C0282512, MONDO:0009509, OMIM 245570.

Submission:

Labcorp Genetics (formerly Invitae), Labcorp
Classification: Uncertain significance for Landau-Kleffner syndrome. Last evaluated: 2022-10-13. Review status: criteria provided, single submitter. Criteria: Invitae Variant Classification Sherloc (09022015). Collection method: clinical testing. Allele origin: germline.
Comment: In summary, the available evidence is currently insufficient to determine the role of this variant in disease. Therefore, it has been classified as a Variant of Uncertain Significance. This variant has not been reported in the literature in individuals affected with GRIN2A-related conditions. This variant is not present in population databases (gnomAD no frequency). This variant, c.613_614insACTGCCTCA, results in the insertion of 3 amino acid(s) of the GRIN2A protein (p.Ile204_Thr205insAsnCysLeu), but otherwise preserves the integrity of the reading frame.